The following is an entry in ClinVar:

NM_003114.5(SPAG1):c.1063G>A (p.Gly355Arg)

Gene: SPAG1 (sperm associated antigen 1; plus strand). Cytogenetic location: 8q22.2.
Variant type: single nucleotide variant.
Coding change: c.1063G>A on transcript NM_003114.5 (MANE Select); coding-DNA position 1063, G replaced by A.
Protein change: p.Gly355Arg; replaces glycine 355 with arginine.
Molecular consequence: missense variant.
Genome position (GRCh38, 1-based): chr8:100,194,235, G>A. VCF-style: chr8-100194235-G-A. GRCh37 (hg19) VCF-style: chr8-101206463-G-A.
Other names: c.1063G>A, p.Gly355Arg (NM_001374321.1, NM_172218.3); short protein forms G355R.
Identifiers: ClinVar variation 2177015 (VCV002177015.1), dbSNP rs759277423, ClinGen allele CA4827429.
Genomic context (GRCh38, chr8:100,194,235, plus strand): 5'-AAAGGGAAAAGGATGGTTATTCAGGAAATAGAAAACTCCGAAGATGAAGAAGGAAAAAGC[G>A]GAAGAAAACATGAAGATGGCGGTGGAGATAAGAGTAAAATATTTTTTCTATTTAGGTTAT-3'
Protein context (NP_003105.2, residues 345-365): ENSEDEEGKS[Gly355Arg]RKHEDGGGDK

ClinVar aggregate classification (germline): Uncertain significance (1 of 4 stars; one submission).

Conditions:
Primary ciliary dyskinesia 28. Also called: CILIARY DYSKINESIA, PRIMARY, 28, WITH OR WITHOUT SITUS INVERSUS. Identifiers: Orphanet 244, MedGen C3809706, MONDO:0014216, OMIM 615505.

gnomAD v4.1: 29 of 1,605,774 alleles (0.0018%); highest among the groups gnomAD compares: East Asian, 0.02%; no homozygotes.

Submission:

Labcorp Genetics (formerly Invitae), Labcorp
Classification: Uncertain significance for Primary ciliary dyskinesia 28. Last evaluated: 2022-07-26. Review status: criteria provided, single submitter. Criteria: Invitae Variant Classification Sherloc (09022015). Collection method: clinical testing. Allele origin: germline.
Comment: This sequence change replaces glycine, which is neutral and non-polar, with arginine, which is basic and polar, at codon 355 of the SPAG1 protein (p.Gly355Arg). This variant is present in population databases (rs759277423, gnomAD 0.007%). This variant has not been reported in the literature in individuals affected with SPAG1-related conditions. Algorithms developed to predict the effect of missense changes on protein structure and function output the following: SIFT: "Tolerated"; PolyPhen-2: "Benign"; Align-GVGD: "Class C0". The arginine amino acid residue is found in multiple mammalian species, which suggests that this missense change does not adversely affect protein function. In summary, the available evidence is currently insufficient to determine the role of this variant in disease. Therefore, it has been classified as a Variant of Uncertain Significance.